The following is an entry in ClinVar:

ClinVar aggregate classification (germline): Benign. Review status: criteria provided, multiple submitters, no conflicts (2 of 4 stars). 3 submissions from 2 submitters: Benign (3). Last evaluated 2018-01-13.

Conditions:
Sacral defect with anterior meningocele. Identifiers: MedGen C1838568, OMIM 600145.
Neural tube defect (NTD). Also called: Neural tube defects. Identifiers: Orphanet 3388, Orphanet 823, MedGen C0027794, MONDO:0018075, HP:0045005.

Allele frequency attached by ClinVar (database versions not stated): TOPMed 0.11090; 1000 Genomes Project 30x 0.18270; 1000 Genomes Project 0.19129; gnomAD exomes 0.23636.
gnomAD v4.1: 17,870 of 151,300 alleles (12%); highest among the groups gnomAD compares: South Asian, 33%; 1,324 homozygotes.

Submissions (3):

Illumina Laboratory Services, Illumina
Classification: Benign for Neural tube defects, susceptibility to. Last evaluated: 2018-01-13. Review status: criteria provided, single submitter. Criteria: ICSL Variant Classification Criteria 13 December 2019. Collection method: clinical testing. Allele origin: germline.
Comment: This variant was observed in the ICSL laboratory as part of a predisposition screen in an ostensibly healthy population. It had not been previously curated by ICSL or reported in the Human Gene Mutation Database (HGMD: prior to June 1st, 2018), and was therefore a candidate for classification through an automated scoring system. Utilizing variant allele frequency, disease prevalence and penetrance estimates, and inheritance mode, an automated score was calculated to assess if this variant is too frequent to cause the disease. Based on the score and internal cut-off values, a variant classified as benign is not then subjected to further curation. The score for this variant resulted in a classification of benign for this disease.

Illumina Laboratory Services, Illumina
Classification: Benign for Sacral defect with anterior meningocele. Last evaluated: 2018-01-13. Review status: criteria provided, single submitter. Criteria: ICSL Variant Classification Criteria 13 December 2019. Collection method: clinical testing. Allele origin: germline.
Comment: the same text as in the submission from Illumina Laboratory Services, Illumina above.

Breakthrough Genomics
Classification: Benign. Review status: criteria provided, single submitter. Criteria: ACMG Guidelines, 2015. Collection method: not provided. Allele origin: germline. Inheritance: Autosomal dominant inheritance. Affected: yes.

NM_138959.3(VANGL1):c.-226G>C

Gene: VANGL1 (VANGL planar cell polarity protein 1; plus strand). Cytogenetic location: 1p13.1.
Variant type: single nucleotide variant.
Coding change: c.-226G>C on transcript NM_138959.3 (MANE Select); 226 bases upstream of the start codon, G replaced by C.
Molecular consequence: 5 prime UTR variant.
Genome position (GRCh38, 1-based): chr1:115,641,998, G>C. VCF-style: chr1-115641998-G-C. GRCh37 (hg19) VCF-style: chr1-116184619-G-C.
Other names: c.-226G>C (NM_001172411.2).
Identifiers: ClinVar variation 291997 (VCV000291997.6), dbSNP rs116216703, ClinGen allele CA10607379.